The following is an entry in ClinVar:

NM_004360.5(CDH1):c.1942G>C (p.Glu648Gln)

Gene: CDH1 (cadherin 1; plus strand). Cytogenetic location: 16q22.1.
Variant type: single nucleotide variant.
Coding change: c.1942G>C on transcript NM_004360.5 (MANE Select); coding-DNA position 1942, G replaced by C.
Protein change: p.Glu648Gln; replaces glutamic acid 648 with glutamine.
Molecular consequence: missense variant. On other transcripts: 5 prime UTR variant (1).
Genome position (GRCh38, 1-based): chr16:68,823,404, G>C. VCF-style: chr16-68823404-G-C. GRCh37 (hg19) VCF-style: chr16-68857307-G-C.
Other names: c.1942G>C (LRG_301t1); c.1759G>C, p.Glu587Gln (NM_001317184.2); c.394G>C, p.Glu132Gln (NM_001317185.2); c.-24G>C (NM_001317186.2); short protein forms E648Q, E132Q, E587Q.
Identifiers: ClinVar variation 422728 (VCV000422728.15), dbSNP rs971882211, ClinGen allele CA16620254.

ClinVar aggregate classification (germline): Uncertain significance. Review status: criteria provided, multiple submitters, no conflicts (2 of 4 stars). 3 submissions from 3 submitters: Uncertain significance (3). Last evaluated 2025-12-08.

Conditions:
Hereditary cancer-predisposing syndrome. Also called: Hereditary neoplastic syndrome; Hereditary Cancer Syndrome; Neoplastic Syndromes, Hereditary; Tumor predisposition. Identifiers: Orphanet 140162, MedGen C0027672, MeSH D009386, MONDO:0015356.
Hereditary diffuse gastric adenocarcinoma (HDGC). Also called: DIFFUSE GASTRIC AND LOBULAR BREAST CANCER SYNDROME. Identifiers: Orphanet 26106, MedGen C1708349, MONDO:0007648, OMIM 137215.

Allele frequency attached by ClinVar (database versions not stated): gnomAD exomes below 0.00001; TOPMed 0.00001; gnomAD 0.00002.
gnomAD v4.1: 4 of 1,608,964 alleles (0.00025%); highest among the groups gnomAD compares: African/African-American, 0.0054%; no homozygotes.

Submissions (3):

Labcorp Genetics (formerly Invitae), Labcorp
Classification: Uncertain significance for Hereditary diffuse gastric adenocarcinoma. Last evaluated: 2025-12-08. Review status: criteria provided, single submitter. Criteria: Invitae Variant Classification Sherloc (09022015). Collection method: clinical testing. Allele origin: germline.
Comment: This sequence change replaces glutamic acid, which is acidic and polar, with glutamine, which is neutral and polar, at codon 648 of the CDH1 protein (p.Glu648Gln). This variant is present in population databases (no rsID available, gnomAD 0.007%). This variant has not been reported in the literature in individuals affected with CDH1-related conditions. ClinVar contains an entry for this variant (Variation ID: 422728). An algorithm developed to predict the effect of missense changes on protein structure and function (PolyPhen-2) suggests that this variant is likely to be disruptive. In summary, the available evidence is currently insufficient to determine the role of this variant in disease. Therefore, it has been classified as a Variant of Uncertain Significance.

Ambry Genetics
Classification: Uncertain significance for Hereditary cancer-predisposing syndrome. Last evaluated: 2025-08-05. Review status: criteria provided, single submitter. Criteria: Ambry Variant Classification Scheme 2023. Collection method: clinical testing. Allele origin: germline.
Comment: The p.E648Q variant (also known as c.1942G>C), located in coding exon 13 of the CDH1 gene, results from a G to C substitution at nucleotide position 1942. The glutamic acid at codon 648 is replaced by glutamine, an amino acid with highly similar properties. This amino acid position is not well conserved in available vertebrate species. In addition, this alteration is predicted to be tolerated by in silico analysis. Since supporting evidence is limited at this time, the clinical significance of this alteration remains unclear.

GeneDx
Classification: Uncertain significance. Last evaluated: 2016-11-08. Review status: criteria provided, single submitter. Criteria: GeneDx Variant Classification (06012015). Collection method: clinical testing. Allele origin: germline. Affected: yes.
Comment: This variant is denoted CDH1 c.1942G>C at the cDNA level, p.Glu648Gln (E648Q) at the protein level, and results in the change of a Glutamic Acid to a Glutamine (GAA>CAA). This variant has not, to our knowledge, been published in the literature as pathogenic or benign. CDH1 Glu648Gln was not observed in approximately 6,500 individuals of European and African American ancestry in the NHLBI Exome Sequencing Project, suggesting it is not a common benign variant in these populations. Since Glutamic Acid and Glutamine differ in some properties, this is considered a semi-conservative amino acid substitution. CDH1 Glu648Gln occurs at a position where amino acids with properties similar to Glutamic Acid are tolerated across species and is located within the cadherin 5 domain (Brooks-Wilson 2004, Figueiredo 2013). In silico analyses are inconsistent regarding the effect this variant may have on protein structure and function. Based on currently available evidence, it is unclear whether CDH1 Glu648Gln is a pathogenic or benign variant. We consider it to be a variant of uncertain significance.